The following is an entry in ClinVar:

ClinVar aggregate classification (germline): Likely benign (1 of 4 stars; one submission).

Conditions:
Hermansky-Pudlak syndrome 4 (HPS4). Identifiers: Orphanet 231500, Orphanet 79430, MedGen C3484357, MONDO:0013556, OMIM 614073.

Allele frequency attached by ClinVar (database versions not stated): gnomAD 0.00047 and 0.00050; TOPMed 0.00053; gnomAD exomes 0.00068; 1000 Genomes Project 30x 0.00078; 1000 Genomes Project 0.00100.
gnomAD v4.1: 150 of 265,930 alleles (0.056%); highest among the groups gnomAD compares: Non-Finnish European, 0.082%; 2 homozygotes.

Submission:

Illumina Laboratory Services, Illumina
Classification: Likely benign for Hermansky-Pudlak syndrome 4. Last evaluated: 2018-01-12. Review status: criteria provided, single submitter. Criteria: ICSL Variant Classification Criteria 13 December 2019. Collection method: clinical testing. Allele origin: germline.
Comment: This variant was observed in the ICSL laboratory as part of a predisposition screen in an ostensibly healthy population. It had not been previously curated by ICSL or reported in the Human Gene Mutation Database (HGMD: prior to June 1st, 2018), and was therefore a candidate for classification through an automated scoring system. Utilizing variant allele frequency, disease prevalence and penetrance estimates, and inheritance mode, an automated score was calculated to assess if this variant is too frequent to cause the disease. Based on the score and internal cut-off values, a variant classified as likely benign is not then subjected to further curation. The score for this variant resulted in a classification of likely benign for this disease.

NM_022081.6(HPS4):c.-395A>C

Gene: HPS4 (HPS4 biogenesis of lysosomal organelles complex 3 subunit 2; minus strand). Cytogenetic location: 22q12.1.
Variant type: single nucleotide variant.
Coding change: c.-395A>C on transcript NM_022081.6 (MANE Select); 395 bases upstream of the start codon, A replaced by C.
Molecular consequence: 5 prime UTR variant. On other transcripts: non-coding transcript variant (7).
Genome position (GRCh38, 1-based): chr22:26,482,157, T>G on the plus strand (A>C on the coding strand, the complement: HPS4 is on the minus strand). VCF-style: chr22-26482157-T-G. GRCh37 (hg19) VCF-style: chr22-26878123-T-G.
Other names: c.-395A>C (NM_001349896.1, NM_001349898.2, NM_001349899.2 and 6 more transcripts).
Identifiers: ClinVar variation 341030 (VCV000341030.5), dbSNP rs147631281, ClinGen allele CA10653982.